The following is an entry in ClinVar:

NM_015346.4(ZFYVE26):c.3373del (p.His1125fs)

Gene: ZFYVE26 (zinc finger FYVE-type containing 26; minus strand). Cytogenetic location: 14q24.1.
Variant type: Deletion.
Coding change: c.3373del on transcript NM_015346.4 (MANE Select); coding-DNA position 3373, one base deleted (C; older notation c.3373delC).
Protein change: p.His1125fs; shifts the reading frame from histidine 1125.
Molecular consequence: frameshift variant.
Genome position (GRCh38, 1-based): chr14:67,785,209, G deleted on the plus strand (C on the coding strand, the reverse complement: ZFYVE26 is on the minus strand); the first of 3 consecutive G bases (chr14:67,785,209-67,785,211); deleting any one gives the same sequence. VCF-style (leftmost placement, unchanged base first): chr14-67785208-TG-T. GRCh37 (hg19) VCF-style: chr14-68251925-TG-T.
Other names: short protein forms H1125fs.
Identifiers: ClinVar variation 241048 (VCV000241048.10), dbSNP rs878855011, ClinGen allele CA10583181.

ClinVar aggregate classification (germline): Pathogenic. Review status: criteria provided, multiple submitters, no conflicts (2 of 4 stars). 2 submissions from 2 submitters: Pathogenic (2). Last evaluated 2017-10-18.

Conditions:
Spastic paraplegia. Identifiers: MedGen C0037772, HP:0001258.

Submissions (2):

Labcorp Genetics (formerly Invitae), Labcorp
Classification: Pathogenic for Spastic paraplegia. Last evaluated: 2017-10-18. Review status: criteria provided, single submitter. Criteria: Invitae Variant Classification Sherloc (09022015). Collection method: clinical testing. Allele origin: germline.
Comment: This variant has not been reported in the literature in individuals with ZFYVE26-related disease. This variant is not present in population databases (ExAC no frequency). This sequence change creates a premature translational stop signal (p.His1125Thrfs*46) in the ZFYVE26 gene. It is expected to result in an absent or disrupted protein product. Loss-of-function variants in ZFYVE26 are known to be pathogenic (PMID: 18394578, 19805727). For these reasons, this variant has been classified as Pathogenic.

Eurofins Ntd Llc (ga)
Classification: Pathogenic. Last evaluated: 2016-08-15. Review status: criteria provided, single submitter. Criteria: EGL Classification Definitions 2015. Collection method: clinical testing. Allele origin: germline. Observed: 2 variant alleles, 2 heterozygotes.

Literature cited by the submitters: PubMed 18394578 (cited by Labcorp Genetics (formerly Invitae), Labcorp); PubMed 19805727 (cited by Labcorp Genetics (formerly Invitae), Labcorp).